The following is an entry in ClinVar:

NM_004667.6(HERC2):c.5774A>G (p.Asp1925Gly)

Gene: HERC2 (HECT and RLD domain containing E3 ubiquitin protein ligase 2; minus strand). Cytogenetic location: 15q13.1.
Variant type: single nucleotide variant.
Coding change: c.5774A>G on transcript NM_004667.6 (MANE Select); coding-DNA position 5774, A replaced by G.
Protein change: p.Asp1925Gly; replaces aspartic acid 1925 with glycine.
Molecular consequence: missense variant.
Genome position (GRCh38, 1-based): chr15:28,220,523, T>C on the plus strand (A>G on the coding strand, the complement: HERC2 is on the minus strand). VCF-style: chr15-28220523-T-C. GRCh37 (hg19) VCF-style: chr15-28465669-T-C.
Other names: short protein forms D1925G.
Identifiers: ClinVar variation 2431856 (VCV002431856.1), dbSNP rs2549169722, ClinGen allele CA391374074.

ClinVar aggregate classification (germline): Uncertain significance (1 of 4 stars; one submission).

Conditions:
Developmental delay with autism spectrum disorder and gait instability (MRT38). Also called: Intellectual developmental disorder, autosomal recessive 38. Identifiers: Orphanet 329195, MedGen C3809753, MONDO:0014224, OMIM 615516.

Submission:

Laboratorio de Genetica e Diagnostico Molecular, Hospital Israelita Albert Einstein
Classification: Uncertain significance for Developmental delay with autism spectrum disorder and gait instability. Last evaluated: 2022-11-11. Review status: criteria provided, single submitter. Criteria: ACMG Guidelines, 2015. Collection method: clinical testing. Allele origin: germline. Affected: yes. Observed: 1 variant allele.
Comment: ACMG classification criteria: PM2 moderated, PP2 supporting, PP3 supporting